The following continues an entry in ClinVar:

NM_002693.3(POLG):c.2243G>C (p.Trp748Ser)

Gene: POLG. ClinVar aggregate classification (germline): Pathogenic/Likely pathogenic. Pathogenic (34); Likely pathogenic (4).

Submissions 12 to 24 of 49:

Athena Diagnostics
Classification: Pathogenic. Last evaluated: 2024-02-09. Review status: criteria provided, single submitter. Criteria: Athena Diagnostics Criteria. Collection method: clinical testing. Allele origin: unknown.
Comment: The frequency of this variant in the general population is consistent with pathogenicity (Genome Aggregation Database (gnomAD), Cambridge, MA (URL)). This is the second most common pathogenic POLG variant, accounting for approximately 8% of disease-causing alleles (PMID: 20301791, 21880868). This variant segregates with disease in multiple families. In multiple individuals, this variant has been seen with a single recessive pathogenic variant in the same gene, suggesting this variant may also be pathogenic. Computational tools predict that this variant is damaging.

Rady Children's Institute for Genomic Medicine, Rady Children's Hospital San Diego
Classification: Pathogenic for POLG-related disorders. Last evaluated: 2023-12-06. Review status: criteria provided, single submitter. Criteria: ACMG Guidelines, 2015. Collection method: clinical testing. Allele origin: germline. Affected: yes.
Comment: The c.2243G>C (p.Trp748Ser) variant affects a highly conserved amino acid and is predicted by multiple in silico tools to have a deleterious effect on protein function. This variant has been previously reported as a compound heterozygous or homozygous change in multiple individuals with autosomal recessive POLG-related disorders (PMID: 15477547, 16080118, 16638794, 17894835, 18294203, 18546343, 22166854, 22931735, 26104464). The c.2243G>C (p.Trp748Ser) variant is present in the heterozygous state in the gnomAD population database at a frequency of 0.1% (280/282688), and is absent in the homozygous state. The allele frequency in the Finnish population is 0.6% (156/25104) in gnomAD, and the variant is considered to demonstrate a founder effect (PMID: 16080118). Based on the available evidence, the c.2243G>C (p.Trp748Ser) variant is classified as Pathogenic.

SIB Swiss Institute of Bioinformatics
Classification: Pathogenic for Sensory ataxic neuropathy, dysarthria, and ophthalmoparesis. Last evaluated: 2023-10-31. Review status: criteria provided, single submitter. Criteria: ACMG Guidelines, 2015. Collection method: curation. Allele origin: unknown. Inheritance: Autosomal recessive inheritance.
Comment: This variant is interpreted as Pathogenic for Mitochondrial recessive ataxia syndrome (includes SANDO and SCAE). The following ACMG Tag(s) were applied: PM2 =>Absent from controls (or at extremely low frequency if recessive) in gnomAD. PM3_very strong => For recessive disorders, detected in trans with a pathogenic variant (PMID: 15477547; 15929042; 15824347; 18828154; 19578034). PP1 => Cosegregation with disease in multiple affected family members in a gene definitively known to cause the disease (PMID:15477547). PP3 => Multiple lines of computational evidence support a deleterious effect on the gene or gene product. PS3-moderate => Well-established functional studies show a deleterious effect (PMID:17088268).

Women's Health and Genetics/Laboratory Corporation of America, LabCorp
Classification: Pathogenic for POLG-related disorder. Last evaluated: 2023-10-12. Review status: criteria provided, single submitter. Criteria: LabCorp Variant Classification Summary - May 2015. Collection method: clinical testing. Allele origin: germline.
Comment: Variant summary: POLG c.2243G>C (p.Trp748Ser) results in a non-conservative amino acid change in the encoded protein sequence. Four of five in-silico tools predict a damaging effect of the variant on protein function. The variant allele was found at a frequency of 0.00097 in 251290 control chromosomes. c.2243G>C has been reported in the literature in multiple individuals affected with POLG-Related Spectrum Disorders as both homozygote and compound heterozygote genotypes (e.g. Tzoulis_2006). These data indicate that the variant is very likely to be associated with disease. At least one publication reports experimental evidence evaluating an impact on protein function. The most pronounced variant effect results in <10% of normal activity (e.g. Chan_2006). The following publications have been ascertained in the context of this evaluation (PMID: 17088268, 16638794). 29 submitters have cited clinical-significance assessments for this variant to ClinVar after 2014, classifying the variant as pathogenic (n=25), likely pathogenic (n=3), or uncertain significance (n=1). Based on the evidence outlined above, the variant was classified as pathogenic.

Department of Pathology and Laboratory Medicine, Sinai Health System
Classification: Pathogenic for Sensory ataxic neuropathy, dysarthria, and ophthalmoparesis; Mitochondrial DNA depletion syndrome 4b; Progressive sclerosing poliodystrophy; Mitochondrial DNA depletion syndrome 1; Progressive external ophthalmoplegia with mitochondrial DNA deletions, autosomal recessive 1; Progressive external ophthalmoplegia with mitochondrial DNA deletions, autosomal dominant 1. Last evaluated: 2023-08-24. Review status: criteria provided, single submitter. Criteria: ACMG Guidelines, 2015. Collection method: research. Allele origin: germline.

Ambry Genetics
Classification: Pathogenic for Inborn genetic diseases. Last evaluated: 2023-08-23. Review status: criteria provided, single submitter. Criteria: Ambry Variant Classification Scheme 2023. Collection method: clinical testing. Allele origin: germline.
Comment: The c.2243G>C (p.W748S) alteration is located in exon 13 (coding exon 12) of the POLG gene. This alteration results from a G to C substitution at nucleotide position 2243, causing the tryptophan (W) at amino acid position 748 to be replaced by a serine (S). Based on the available evidence, this alteration is classified as pathogenic for autosomal recessive POLG-related mitochondrial disorders; however, its clinical significance for autosomal dominant progressive external ophthalmoplegia is uncertain. Based on data from gnomAD, the C allele has an overall frequency of 0.099% (280/282688) total alleles studied. The highest observed frequency was 0.621% (156/25104) of European (Finnish) alleles. The c.2243G>C (p.W748S) alteration accounts for approximately 8% of disease causing alleles in the Finnish population. This alteration has been identified in the homozygous state and in conjunction with another alteration in POLG in multiple individuals with Alpers-Huttenlocher syndrome (AHS), sensory ataxic neuropathy, dysarthria/dysphagia, and external ophthalmoplegia (SANDO), and other autosomal recessive POLG-related mitochondrial disorders (Bychkov, 2021; Masingue, 2019; Henao, 2016; Hakonen, 2007; Janssen, 2016; Uusimaa, 2008). This amino acid position is highly conserved in available vertebrate species. This alteration is predicted to be deleterious by in silico analysis. Based on the available evidence, this alteration is classified as pathogenic.

Revvity Omics, Revvity
Classification: Likely pathogenic. Last evaluated: 2023-08-09. Review status: criteria provided, single submitter. Criteria: ACMG Guidelines, 2015. Collection method: clinical testing. Allele origin: germline.

Department of Genetics, Rouen University Hospital, Normandy Center for Genomic and Personalized Medicine
Classification: Pathogenic for Progressive sclerosing poliodystrophy. Last evaluated: 2023-05-26. Review status: criteria provided, single submitter. Criteria: ACMG Guidelines, 2015. Collection method: clinical testing. Allele origin: paternal. Affected: yes.

Institute of Human Genetics, University of Leipzig Medical Center
Classification: Pathogenic for Progressive sclerosing poliodystrophy. Last evaluated: 2022-08-31. Review status: criteria provided, single submitter. Criteria: ACMG Guidelines, 2015. Collection method: clinical testing. Allele origin: maternal. Affected: yes.
Comment: This variant was identified as compound heterozygous with NM_002693.3:c.2901_2907del._x000D_ Criteria applied: PM3_VSTR, PS3, PP4

Institute of Human Genetics Munich, TUM University Hospital
Classification: Pathogenic for Mitochondrial DNA depletion syndrome 4b. Last evaluated: 2022-07-28. Review status: criteria provided, single submitter. Criteria: Classification criteria August 2017. Collection method: clinical testing. Allele origin: maternal, paternal. Inheritance: Autosomal recessive inheritance. Affected: yes. Observed: 2 variant alleles.

Victorian Clinical Genetics Services, Murdoch Childrens Research Institute
Classification: Pathogenic for Mitochondrial disease. Last evaluated: 2022-06-24. Review status: criteria provided, single submitter. Criteria: ACMG Guidelines, 2015. Collection method: clinical testing. Allele origin: germline.
Comment: Based on the classification scheme VCGS_Germline_v1.3.4, this variant is classified as Pathogenic. Following criteria are met: 0102 - Loss of function is a known mechanism of disease in this gene and is associated with POLG-related mitochondrial disorders. (I) 0108 - This gene is associated with both recessive and dominant disease. Variants are usually inherited in a recessive manner, however progressive external ophthalmoplegia can also be dominant when heterozygous variants are located in the highly conserved active site of motif B of the polymerase domain (PMID: 30451971). (I) 0115 - Variants in this gene are known to have variable expressivity (PMID: 30423451). (I) 0200 - Variant is predicted to result in a missense amino acid change from tryptophan to serine. (I) 0251 - This variant is heterozygous. (I) 0304 - Variant is present in gnomAD <0.01 for a recessive condition (v2: 280 heterozygotes, 0 homozygotes). (SP) 0501 - Missense variant consistently predicted to be damaging by multiple in silico tools or highly conserved with a major amino acid change. (SP) 0604 - Variant is not located in an established domain, motif, hotspot or informative constraint region. (I) 0801 - This variant has strong previous evidence of pathogenicity in unrelated individuals. It has been reported in multiple individuals with autosomal recessive with POLG-related mitochondrial disorder. In addition, it has been reported in affected and unaffected carriers, which could be due to variable expressivity or potentially missed second variant (ClinVar, PMID: 30423451, PMID: 34288125). (SP) 1208 - Inheritance information for this variant is not currently available in this individual. (I) Legend: (SP) - Supporting pathogenic, (I) - Information, (SB) - Supporting benign

Mendelics
Classification: Pathogenic for Progressive external ophthalmoplegia with mitochondrial DNA deletions, autosomal dominant 1. Last evaluated: 2022-05-04. Review status: criteria provided, single submitter. Criteria: Mendelics Assertion Criteria 2019. Collection method: clinical testing. Allele origin: germline.

AiLife Diagnostics
Classification: Likely pathogenic. Last evaluated: 2022-03-15. Review status: criteria provided, single submitter. Criteria: ACMG Guidelines, 2015. Collection method: clinical testing. Allele origin: germline. Affected: yes. Observed: 4 variant alleles.